The following is an entry in ClinVar:

NM_000264.5(PTCH1):c.3463del (p.Val1155fs)

Gene: PTCH1 (patched 1; minus strand). Cytogenetic location: 9q22.32.
Variant type: Deletion.
Coding change: c.3463del on transcript NM_000264.5 (MANE Select); coding-DNA position 3463, one base deleted (G; older notation c.3463delG).
Protein change: p.Val1155fs; shifts the reading frame from valine 1155.
Molecular consequence: frameshift variant. On other transcripts: non-coding transcript variant (1).
Genome position (GRCh38, 1-based): chr9:95,449,927, C deleted on the plus strand (G on the coding strand, the reverse complement: PTCH1 is on the minus strand). VCF-style (leftmost placement, unchanged base first): chr9-95449926-AC-A. GRCh37 (hg19) VCF-style: chr9-98212208-AC-A.
Other names: c.3265del, p.Val1089fs (NM_001083602.3); c.3460del, p.Val1154fs (NM_001083603.3); c.3010del, p.Val1004fs (NM_001083604.3, NM_001083605.3, NM_001083606.3 and 1 more transcripts); c.3307del, p.Val1103fs (NM_001354918.2); short protein forms V1103fs, V1089fs, V1154fs, V1004fs, V1155fs.
Identifiers: ClinVar variation 3784597 (VCV003784597.1).

ClinVar aggregate classification (germline): Pathogenic (1 of 4 stars; one submission).

Conditions:
Hereditary cancer-predisposing syndrome. Also called: Neoplastic Syndromes, Hereditary; Hereditary Cancer Syndrome; Tumor predisposition; Hereditary neoplastic syndrome. Identifiers: Orphanet 140162, MedGen C0027672, MeSH D009386, MONDO:0015356.

Submission:

Ambry Genetics
Classification: Pathogenic for Hereditary cancer-predisposing syndrome. Last evaluated: 2024-12-19. Review status: criteria provided, single submitter. Criteria: Ambry Variant Classification Scheme 2023. Collection method: clinical testing. Allele origin: germline.
Comment: The c.3463delG pathogenic mutation, located in coding exon 21 of the PTCH1 gene, results from a deletion of one nucleotide at nucleotide position 3463, causing a translational frameshift with a predicted alternate stop codon (p.V1155Cfs*36). This variant is considered to be rare based on population cohorts in the Genome Aggregation Database (gnomAD). This alteration is expected to result in loss of function by premature protein truncation or nonsense-mediated mRNA decay. As such, this alteration is interpreted as a disease-causing mutation.